The following is an entry in ClinVar:

NM_000363.5(TNNI3):c.9T>C (p.Asp3=)

Gene: TNNI3 (troponin I3, cardiac type; minus strand). Cytogenetic location: 19q13.42.
Variant type: single nucleotide variant.
Coding change: c.9T>C on transcript NM_000363.5 (MANE Select); coding-DNA position 9, T replaced by C.
Protein change: p.Asp3=; no amino-acid change (aspartic acid 3 retained).
Molecular consequence: synonymous variant.
Genome position (GRCh38, 1-based): chr19:55,157,581, A>G on the plus strand (T>C on the coding strand, the complement: TNNI3 is on the minus strand). VCF-style: chr19-55157581-A-G. GRCh37 (hg19) VCF-style: chr19-55668949-A-G.
Identifiers: ClinVar variation 927200 (VCV000927200.10), dbSNP rs2085744143, ClinGen allele CA508989684.

ClinVar aggregate classification (germline): Likely benign. Review status: criteria provided, multiple submitters, no conflicts (2 of 4 stars). 3 submissions from 3 submitters: Likely benign (3). Last evaluated 2024-10-05.

Conditions:
Hypertrophic cardiomyopathy. Also called: HYPERTROPHIC MYOCARDIOPATHY. Identifiers: Orphanet 217569, MedGen C0007194, MeSH D002312, MONDO:0005045, HP:0001639.
Cardiomyopathy (CMYO). Also called: Cardiomyopathies. Identifiers: Orphanet 167848, MedGen C0878544, MONDO:0004994, HP:0001638. Inheritance: Various modes of inheritance.

Allele frequency attached by ClinVar (database versions not stated): gnomAD exomes below 0.00001.
gnomAD v4.1: 2 of 1,613,864 alleles (0.00012%); highest among the groups gnomAD compares: Non-Finnish European, 0.00017%; no homozygotes.

Submissions (3):

Labcorp Genetics (formerly Invitae), Labcorp
Classification: Likely benign for Hypertrophic cardiomyopathy. Last evaluated: 2024-10-05. Review status: criteria provided, single submitter. Criteria: Invitae Variant Classification Sherloc (09022015). Collection method: clinical testing. Allele origin: germline.

All of Us Research Program, National Institutes of Health
Classification: Likely benign for Hypertrophic cardiomyopathy. Last evaluated: 2023-08-15. Review status: criteria provided, single submitter. Criteria: ACMG Guidelines, 2015. Collection method: clinical testing. Allele origin: germline. Inheritance: Autosomal dominant inheritance. Observed: 1 variant allele, 1 heterozygote.
Comment: This study involves interpretation of variants in research participants for the purpose of population health screening. Participant phenotype was not available at the time of variant classification. Additional details can be found in publication PMID: 35346344, PMCID: PMC8962531

Color Diagnostics, LLC DBA Color Health
Classification: Likely benign for Cardiomyopathy. Last evaluated: 2019-05-04. Review status: criteria provided, single submitter. Criteria: ACMG Guidelines, 2015. Collection method: clinical testing. Allele origin: germline.